The following is an entry in ClinVar:

NM_006231.4(POLE):c.5452G>A (p.Val1818Met)

Gene: POLE (DNA polymerase epsilon, catalytic subunit; minus strand). Cytogenetic location: 12q24.33.
Variant type: single nucleotide variant.
Coding change: c.5452G>A on transcript NM_006231.4 (MANE Select); coding-DNA position 5452, G replaced by A.
Protein change: p.Val1818Met; replaces valine 1818 with methionine.
Molecular consequence: missense variant.
Genome position (GRCh38, 1-based): chr12:132,639,225, C>T on the plus strand (G>A on the coding strand, the complement: POLE is on the minus strand). VCF-style: chr12-132639225-C-T. GRCh37 (hg19) VCF-style: chr12-133215811-C-T.
Other names: short protein forms V1818M.
Identifiers: ClinVar variation 1369162 (VCV001369162.11), dbSNP rs140174561, ClinGen allele CA246299782.

ClinVar aggregate classification (germline): Uncertain significance. Review status: criteria provided, multiple submitters, no conflicts (2 of 4 stars). 3 submissions from 3 submitters: Uncertain significance (3). Last evaluated 2025-08-10.

Conditions:
Hereditary cancer-predisposing syndrome. Also called: Neoplastic Syndromes, Hereditary; Tumor predisposition; Hereditary neoplastic syndrome; Hereditary Cancer Syndrome. Identifiers: Orphanet 140162, MedGen C0027672, MeSH D009386, MONDO:0015356.

Allele frequency attached by ClinVar (database versions not stated): gnomAD exomes below 0.00001; ESP Exome Variant Server 0.00008.
gnomAD v4.1: 1 of 1,614,104 alleles (0.000062%); highest among the groups gnomAD compares: Non-Finnish European, 0.000085%; no homozygotes.

Submissions (3):

Ambry Genetics
Classification: Uncertain significance for Hereditary cancer-predisposing syndrome. Last evaluated: 2025-08-10. Review status: criteria provided, single submitter. Criteria: Ambry Variant Classification Scheme 2023. Collection method: clinical testing. Allele origin: germline.
Comment: The p.V1818M variant (also known as c.5452G>A), located in coding exon 40 of the POLE gene, results from a G to A substitution at nucleotide position 5452. The valine at codon 1818 is replaced by methionine, an amino acid with highly similar properties. This amino acid position is conserved. In addition, the in silico prediction for this alteration is inconclusive. Since supporting evidence is limited at this time, the clinical significance of this alteration remains unclear.

Labcorp Genetics (formerly Invitae), Labcorp
Classification: Uncertain significance. Last evaluated: 2024-06-19. Review status: criteria provided, single submitter. Criteria: Invitae Variant Classification Sherloc (09022015). Collection method: clinical testing. Allele origin: germline.
Comment: This sequence change replaces valine, which is neutral and non-polar, with methionine, which is neutral and non-polar, at codon 1818 of the POLE protein (p.Val1818Met). This variant is not present in population databases (gnomAD no frequency). This variant has not been reported in the literature in individuals affected with POLE-related conditions. ClinVar contains an entry for this variant (Variation ID: 1369162). Advanced modeling of protein sequence and biophysical properties (such as structural, functional, and spatial information, amino acid conservation, physicochemical variation, residue mobility, and thermodynamic stability) performed at Invitae indicates that this missense variant is not expected to disrupt POLE protein function with a negative predictive value of 80%. In summary, the available evidence is currently insufficient to determine the role of this variant in disease. Therefore, it has been classified as a Variant of Uncertain Significance.

GeneDx
Classification: Uncertain significance. Last evaluated: 2024-05-10. Review status: criteria provided, single submitter. Criteria: GeneDx Variant Classification Process June 2021. Collection method: clinical testing. Allele origin: germline. Affected: yes.
Comment: Not observed at significant frequency in large population cohorts (gnomAD); In silico analysis indicates that this missense variant does not alter protein structure/function; Has not been previously published as pathogenic or benign to our knowledge